The following is an entry in ClinVar:

NM_177438.3(DICER1):c.428C>G (p.Thr143Ser)

Gene: DICER1 (dicer 1, ribonuclease III; minus strand). Cytogenetic location: 14q32.13.
Variant type: single nucleotide variant.
Coding change: c.428C>G on transcript NM_177438.3 (MANE Select); coding-DNA position 428, C replaced by G.
Protein change: p.Thr143Ser; replaces threonine 143 with serine.
Molecular consequence: missense variant.
Genome position (GRCh38, 1-based): chr14:95,131,519, G>C on the plus strand (C>G on the coding strand, the complement: DICER1 is on the minus strand). VCF-style: chr14-95131519-G-C. GRCh37 (hg19) VCF-style: chr14-95597856-G-C.
Other names: c.428C>G, p.Thr143Ser (NM_001195573.1, NM_001271282.3, NM_001291628.2 and 1 more transcripts); short protein forms T143S.
Identifiers: ClinVar variation 824759 (VCV000824759.4), dbSNP rs1595462753, ClinGen allele CA390888801.
Genomic context (GRCh38, chr14:95,131,519, plus strand): 5'-GTCAAGAACTTGTAGGGATTTATAAAGTGAAATTTCTCTACAAGTCTTACCTGGTGCTTA[G>C]TAAACTCTTGGTTCCATCTCTCTTTTGTCCAAGATGCATTTACTTCTAGGTTTGAGTATT-3'
Protein context (NP_803187.1, residues 133-153): WTKERWNQEF[Thr143Ser]KHQVLIMTCY

ClinVar aggregate classification (germline): Uncertain significance (1 of 4 stars; one submission).

Conditions:
Hereditary cancer-predisposing syndrome. Also called: Neoplastic Syndromes, Hereditary; Tumor predisposition; Hereditary neoplastic syndrome; Hereditary Cancer Syndrome. Identifiers: Orphanet 140162, MedGen C0027672, MeSH D009386, MONDO:0015356.

Submission:

Ambry Genetics
Classification: Uncertain significance for Hereditary cancer-predisposing syndrome. Last evaluated: 2022-06-20. Review status: criteria provided, single submitter. Criteria: Ambry Variant Classification Scheme 2023. Collection method: clinical testing. Allele origin: germline.
Comment: The p.T143S variant (also known as c.428C>G), located in coding exon 3 of the DICER1 gene, results from a C to G substitution at nucleotide position 428. The threonine at codon 143 is replaced by serine, an amino acid with similar properties. This amino acid position is poorly conserved in available vertebrate species. In addition, this alteration is predicted to be tolerated by in silico analysis. Since supporting evidence is limited at this time, the clinical significance of this alteration remains unclear.